The following is an entry in ClinVar:

NM_001127511.3(APC):c.-124_-104dup

Gene: APC (APC regulator of Wnt signaling pathway; plus strand). Cytogenetic location: 5q22.2.
Variant type: Duplication.
Coding change: c.-124_-104dup on transcript NM_001127511.3; 124 bases upstream of the start codon through 104 bases upstream of the start codon, 21 bases duplicated (CCTGCGGGCTCAGGCCCGGGA).
Molecular consequence: 5 prime UTR variant. On other transcripts: non-coding transcript variant (2).
Genome position (GRCh38, 1-based): chr5:112,707,594-112,707,614, CCTGCGGGCTCAGGCCCGGGA duplicated; duplicating any 21 consecutive bases within chr5:112,707,590-112,707,614 gives the same sequence; the c. name uses the placement nearest the transcript's 3' end. VCF-style (leftmost placement, unchanged base first): chr5-112707589-G-GGGGACCTGCGGGCTCAGGCCC. GRCh37 (hg19) VCF-style: chr5-112043286-G-GGGGACCTGCGGGCTCAGGCCC.
Other names: c.-307_-287dup (NM_001354895.2, NM_001407447.1, NM_001407452.1 and 3 more transcripts); c.-124_-104dup (NM_001354897.2, NM_001354902.2, NM_001407446.1); c.-74_-54dup (NM_001407448.1, NM_001407450.1, NM_001407457.1 and 1 more transcripts); c.-98_-78dup (NM_001407453.1); c.-1342_-1322dup (NM_001407470.1, NM_001407472.1).
Identifiers: ClinVar variation 1059461 (VCV001059461.10), dbSNP rs1750584068, ClinGen allele CA1573442499.
Genomic context (GRCh38, chr5:112,707,589, plus strand): 5'-GCGGAGGGCAAGTAGCAAGGGGGCGGGGTGTGGCCGCCGGAAGCCTAGCCGCTGCTCGGG[G>GGGGACCTGCGGGCTCAGGCCC]GGGACCTGCGGGCTCAGGCCCGGGAGCTGCGGACCGAGGTTGGCTCGATGCTGTTCCCAG-3'

ClinVar aggregate classification (germline): Uncertain significance (1 of 4 stars; one submission).

Conditions:
Familial adenomatous polyposis 1 (FAP1). Also called: FAMILIAL ADENOMATOUS POLYPOSIS 1, ATTENUATED; POLYPOSIS, ADENOMATOUS INTESTINAL. Identifiers: MedGen C2713442, MONDO:0021056, OMIM 175100. Disease mechanism: loss of function.

Submission:

Labcorp Genetics (formerly Invitae), Labcorp
Classification: Uncertain significance for Familial adenomatous polyposis 1. Last evaluated: 2024-04-25. Review status: criteria provided, single submitter. Criteria: Invitae Variant Classification Sherloc (09022015). Collection method: clinical testing. Allele origin: germline.
Comment: This variant occurs in a non-coding region of the APC gene. It does not change the encoded amino acid sequence of the APC protein. This variant is not present in population databases (gnomAD no frequency). This variant has not been reported in the literature in individuals affected with APC-related conditions. Experimental studies and prediction algorithms are not available or were not evaluated, and the functional significance of this variant is currently unknown. In summary, the available evidence is currently insufficient to determine the role of this variant in disease. Therefore, it has been classified as a Variant of Uncertain Significance.